The following is an entry in ClinVar:

NM_198253.3(TERT):c.763T>G (p.Ser255Ala)

Gene: TERT (telomerase reverse transcriptase; minus strand). Cytogenetic location: 5p15.33.
Variant type: single nucleotide variant.
Coding change: c.763T>G on transcript NM_198253.3 (MANE Select); coding-DNA position 763, T replaced by G.
Protein change: p.Ser255Ala; replaces serine 255 with alanine.
Molecular consequence: missense variant. On other transcripts: non-coding transcript variant (2).
Genome position (GRCh38, 1-based): chr5:1,294,123, A>C on the plus strand (T>G on the coding strand, the complement: TERT is on the minus strand). VCF-style: chr5-1294123-A-C. GRCh37 (hg19) VCF-style: chr5-1294238-A-C.
Other names: c.763T>G, p.Ser255Ala (NM_001193376.3); short protein forms S255A.
Identifiers: ClinVar variation 3756148 (VCV003756148.2).

ClinVar aggregate classification (germline): Uncertain significance (1 of 4 stars; one submission).

Conditions:
Dyskeratosis congenita, autosomal dominant 2. Identifiers: MedGen C3151443, MONDO:0013521, OMIM 613989.
Idiopathic Pulmonary Fibrosis. Also called: Idiopathic fibrosing alveolitis, chronic form; idiopathic fibrosing alveolitis. Identifiers: Orphanet 2032, MedGen C1800706, MeSH D054990, MONDO:0800504.

Submission:

Labcorp Genetics (formerly Invitae), Labcorp
Classification: Uncertain significance for Dyskeratosis congenita, autosomal dominant 2; Idiopathic Pulmonary Fibrosis. Last evaluated: 2024-06-24. Review status: criteria provided, single submitter. Criteria: Invitae Variant Classification Sherloc (09022015). Collection method: clinical testing. Allele origin: germline.
Comment: This sequence change replaces serine, which is neutral and polar, with alanine, which is neutral and non-polar, at codon 255 of the TERT protein (p.Ser255Ala). This variant is not present in population databases (gnomAD no frequency). This variant has not been reported in the literature in individuals affected with TERT-related conditions. Advanced modeling of protein sequence and biophysical properties (such as structural, functional, and spatial information, amino acid conservation, physicochemical variation, residue mobility, and thermodynamic stability) performed at Invitae indicates that this missense variant is not expected to disrupt TERT protein function with a negative predictive value of 80%. In summary, the available evidence is currently insufficient to determine the role of this variant in disease. Therefore, it has been classified as a Variant of Uncertain Significance.